The following is an entry in ClinVar:

NC_000005.9:g.(?_36953718)_(37324229_?)dup

Genes: CPLANE1 (ciliogenesis and planar polarity effector complex subunit 1; minus strand), NIPBL (NIPBL cohesin loading factor; plus strand), NUP155 (nucleoporin 155; minus strand). Cytogenetic location: 5p13.2.
Variant type: Duplication.
Identifiers: ClinVar variation 2426795 (VCV002426795.3).

ClinVar aggregate classification (germline): Uncertain significance (1 of 4 stars; one submission).

Submission:

Labcorp Genetics (formerly Invitae), Labcorp
Classification: Uncertain significance. Last evaluated: 2022-08-22. Review status: criteria provided, single submitter. Criteria: Invitae Variant Classification Sherloc (09022015). Collection method: clinical testing. Allele origin: germline.
Comment: A copy number gain of the genomic region encompassing the full coding sequence of the CPLANE1 gene has been identified. The boundaries of this event are unknown as they extend beyond the assayed region for this gene and therefore may encompass additional genes. As the precise location of this event is unknown, it may be in tandem or it may be located elsewhere in the genome. This variant has not been reported in the literature in individuals affected with CPLANE1-related conditions. Experimental studies and prediction algorithms are not available or were not evaluated, and the functional significance of this variant is currently unknown. In summary, the available evidence is currently insufficient to determine the role of this variant in disease. Therefore, it has been classified as a Variant of Uncertain Significance.